The following is an entry in ClinVar:

ClinVar aggregate classification (germline): Uncertain significance. Review status: criteria provided, multiple submitters, no conflicts (2 of 4 stars). 2 submissions from 2 submitters: Uncertain significance (2). Last evaluated 2025-08-01.

gnomAD v4.1: 2 of 1,565,338 alleles (0.00013%); highest among the groups gnomAD compares: Non-Finnish European, 0.00017%; no homozygotes.

Submissions (2):

CeGaT Center for Human Genetics Tuebingen
Classification: Uncertain significance. Last evaluated: 2025-08-01. Review status: criteria provided, single submitter. Criteria: CeGaT Center For Human Genetics Tuebingen Variant Classification Criteria Version 2. Collection method: clinical testing. Allele origin: germline. Affected: yes. Observed: 1 variant allele.
Comment: TNFRSF1A: PM2

Blueprint Genetics
Classification: Uncertain significance. Last evaluated: 2018-08-09. Review status: criteria provided, single submitter. Criteria: ACMG Guidelines, 2015. Collection method: clinical testing. Allele origin: germline.

NM_001065.4(TNFRSF1A):c.1276C>T (p.Arg426Cys)

Gene: TNFRSF1A (TNF receptor superfamily member 1A; minus strand). Cytogenetic location: 12p13.31.
Variant type: single nucleotide variant.
Coding change: c.1276C>T on transcript NM_001065.4 (MANE Select); coding-DNA position 1276, C replaced by T.
Protein change: p.Arg426Cys; replaces arginine 426 with cysteine.
Molecular consequence: missense variant. On other transcripts: non-coding transcript variant (1).
Genome position (GRCh38, 1-based): chr12:6,329,404, G>A on the plus strand (C>T on the coding strand, the complement: TNFRSF1A is on the minus strand). VCF-style: chr12-6329404-G-A. GRCh37 (hg19) VCF-style: chr12-6438570-G-A.
Other names: c.952C>T, p.Arg318Cys (NM_001346091.2); c.817C>T, p.Arg273Cys (NM_001346092.2); short protein forms R273C, R318C, R426C.
Identifiers: ClinVar variation 4084404 (VCV004084404.9).